The following is an entry in ClinVar:

ClinVar aggregate classification (germline): Likely benign. Review status: criteria provided, multiple submitters, no conflicts (2 of 4 stars). 5 submissions from 5 submitters: Likely benign (3). 2 of the submissions do not count toward it. Last evaluated 2025-12-29.

Conditions:
Dilated cardiomyopathy 1DD (CMD1DD). Identifiers: Orphanet 154, MedGen C2750995, MONDO:0013168, OMIM 613172.

Allele frequency attached by ClinVar (database versions not stated): gnomAD 0.00001; gnomAD exomes 0.00001 and 0.00003; ExAC 0.00006.
gnomAD v4.1: 48 of 1,545,760 alleles (0.0031%); highest among the groups gnomAD compares: Non-Finnish European, 0.0038%; no homozygotes.

Submissions (5):

Labcorp Genetics (formerly Invitae), Labcorp
Classification: Likely benign for Dilated cardiomyopathy 1DD. Last evaluated: 2025-12-29. Review status: criteria provided, single submitter. Criteria: Invitae Variant Classification Sherloc (09022015). Collection method: clinical testing. Allele origin: germline.

Blueprint Genetics
Classification: Likely benign. Last evaluated: 2022-11-23. Review status: criteria provided, single submitter. Criteria: ACMG Guidelines, 2015. Collection method: clinical testing. Allele origin: germline.

GeneDx
Classification: Likely benign. Last evaluated: 2016-05-13. Review status: criteria provided, single submitter. Criteria: GeneDx Variant Classification (06012015). Collection method: clinical testing. Allele origin: germline. Affected: yes.
Comment: This variant is considered likely benign or benign based on one or more of the following criteria: it is a conservative change, it occurs at a poorly conserved position in the protein, it is predicted to be benign by multiple in silico algorithms, and/or has population frequency not consistent with disease.

Clinical Genetics DNA and cytogenetics Diagnostics Lab, Erasmus MC, Erasmus Medical Center
Classification: Likely benign. Review status: no assertion criteria provided. Collection method: clinical testing. Allele origin: germline. Affected: yes. Study: VKGL Data-share Consensus. Not counted in ClinVar's aggregate classification.

Joint Genome Diagnostic Labs from Nijmegen and Maastricht, Radboudumc and MUMC+
Classification: Likely benign. Review status: no assertion criteria provided. Collection method: clinical testing. Allele origin: germline. Affected: yes. Study: VKGL Data-share Consensus. Not counted in ClinVar's aggregate classification.

NM_001134363.3(RBM20):c.237G>A (p.Pro79=)

Gene: RBM20 (RNA binding motif protein 20; plus strand). Cytogenetic location: 10q25.2.
Variant type: single nucleotide variant.
Coding change: c.237G>A on transcript NM_001134363.3 (MANE Select); coding-DNA position 237, G replaced by A.
Protein change: p.Pro79=; no amino-acid change (proline 79 retained).
Molecular consequence: synonymous variant.
Genome position (GRCh38, 1-based): chr10:110,780,846, G>A. VCF-style: chr10-110780846-G-A. GRCh37 (hg19) VCF-style: chr10-112540604-G-A.
Other names: c.237G>A (LRG_382t1).
Identifiers: ClinVar variation 386201 (VCV000386201.11), dbSNP rs751872145, ClinGen allele CA5688499.